The following is an entry in ClinVar:

NM_007294.4(BRCA1):c.587A>T (p.Tyr196Phe)

Gene: BRCA1 (BRCA1 DNA repair associated; minus strand). Cytogenetic location: 17q21.31.
Variant type: single nucleotide variant.
Coding change: c.587A>T on transcript NM_007294.4 (MANE Select); coding-DNA position 587, A replaced by T.
Protein change: p.Tyr196Phe; replaces tyrosine 196 with phenylalanine.
Molecular consequence: missense variant. On other transcripts: non-coding transcript variant (1).
Genome position (GRCh38, 1-based): chr17:43,097,250, T>A on the plus strand (A>T on the coding strand, the complement: BRCA1 is on the minus strand). VCF-style: chr17-43097250-T-A. GRCh37 (hg19) VCF-style: chr17-41249267-T-A.
Other names: c.374A>T, p.Tyr125Phe (NM_001407571.1, NM_001407853.1, NM_001407894.1 and 12 more transcripts); c.587A>T, p.Tyr196Phe (NM_001407581.1, NM_001407582.1, NM_001407583.1 and 59 more transcripts); c.584A>T, p.Tyr195Phe (NM_001407587.1, NM_001407590.1, NM_001407591.1 and 41 more transcripts); c.578A>T, p.Tyr193Phe (NM_001407646.1, NM_001407647.1, NM_001408408.1); c.509A>T, p.Tyr170Phe (NM_001407653.1, NM_001407654.1, NM_001407655.1 and 9 more transcripts); c.506A>T, p.Tyr169Phe (NM_001407659.1, NM_001407660.1, NM_001407661.1 and 3 more transcripts); c.446A>T, p.Tyr149Phe (NM_001407692.1, NM_001407694.1, NM_001407695.1 and 43 more transcripts); c.443A>T, p.Tyr148Phe (NM_001407740.1, NM_001407741.1, NM_001407742.1 and 26 more transcripts); and 4 more; short protein forms Y196F, Y149F, Y125F, Y195F, Y68F, Y151F, Y169F, Y170F.
Identifiers: ClinVar variation 462680 (VCV000462680.26), dbSNP rs1555594039, ClinGen allele CA10600947.
Genomic context (GRCh38, chr17:43,097,250, plus strand): 5'-ATTAACTAAATAGGAAAATACCAGCTTCATAGACAAAGGTTCTCTTTGACTCACCTGCAA[T>A]AAGTTGCCTTATTAACGGTATCTTCAGAAGAATCAGATCCTAAAAAATTTCCCCCCAAAA-3'
Protein context (NP_009225.1, residues 186-206): SSEDTVNKAT[Tyr196Phe]CSVGDQELLQ

ClinVar aggregate classification (germline): Conflicting classifications of pathogenicity. Review status: criteria provided, conflicting classifications (1 of 4 stars). 5 submissions from 5 submitters: Uncertain significance (4); Likely benign (1). Last evaluated 2025-03-04.

Conditions:
Hereditary cancer-predisposing syndrome. Also called: Neoplastic Syndromes, Hereditary; Hereditary Cancer Syndrome; Hereditary neoplastic syndrome; Tumor predisposition. Identifiers: Orphanet 140162, MedGen C0027672, MeSH D009386, MONDO:0015356.
Hereditary breast ovarian cancer syndrome. Also called: Hereditary breast and ovarian cancer syndrome (HBOC); Hereditary breast and ovarian cancer syndrome; Breast and ovarian cancer; Hereditary breast and/or ovarian cancer syndrome; Hereditary breast and ovarian cancer; BRCA1- and BRCA2-Associated Hereditary Breast and Ovarian Cancer. Identifiers: Orphanet 145, MedGen C0677776, MeSH D061325, MONDO:0003582. Disease mechanism: loss of function.
BRCA1-related cancer predisposition. Identifiers: MedGen CN377757, MONDO:0700268.

Allele frequency attached by ClinVar (database versions not stated): gnomAD exomes 0.00001.
gnomAD v4.1: 7 of 1,613,768 alleles (0.00043%); highest among the groups gnomAD compares: Non-Finnish European, 0.00059%; no homozygotes.

Submissions (5):

Center for Genomic Medicine, Rigshospitalet, Copenhagen University Hospital
Classification: Likely benign. Last evaluated: 2025-03-04. Review status: criteria provided, single submitter. Criteria: ACMG Guidelines, 2015. Collection method: clinical testing. Allele origin: germline.

Labcorp Genetics (formerly Invitae), Labcorp
Classification: Uncertain significance for Hereditary breast ovarian cancer syndrome. Last evaluated: 2024-10-12. Review status: criteria provided, single submitter. Criteria: Invitae Variant Classification Sherloc (09022015). Collection method: clinical testing. Allele origin: germline.
Comment: This sequence change replaces tyrosine, which is neutral and polar, with phenylalanine, which is neutral and non-polar, at codon 196 of the BRCA1 protein (p.Tyr196Phe). This variant is not present in population databases (gnomAD no frequency). This variant has not been reported in the literature in individuals affected with BRCA1-related conditions. ClinVar contains an entry for this variant (Variation ID: 462680). Invitae Evidence Modeling of protein sequence and biophysical properties (such as structural, functional, and spatial information, amino acid conservation, physicochemical variation, residue mobility, and thermodynamic stability) indicates that this missense variant is not expected to disrupt BRCA1 protein function with a negative predictive value of 80%. In summary, the available evidence is currently insufficient to determine the role of this variant in disease. Therefore, it has been classified as a Variant of Uncertain Significance.

All of Us Research Program, National Institutes of Health
Classification: Uncertain significance for BRCA1-related cancer predisposition. Last evaluated: 2024-09-23. Review status: criteria provided, single submitter. Criteria: ACMG Guidelines, 2015. Collection method: clinical testing. Allele origin: germline. Inheritance: Autosomal dominant inheritance. Observed: 2 variant alleles, 2 heterozygotes.
Comment: This missense variant replaces tyrosine with phenylalanine at codon 196 of the BRCA1 protein. Computational prediction is inconclusive regarding the impact of this variant on protein structure and function (internally defined REVEL score threshold 0.5 < inconclusive < 0.7, PMID: 27666373). To our knowledge, functional studies have not been reported for this variant. This variant has not been reported in individuals affected with BRCA1-related disorders in the literature. This variant has not been identified in the general population by the Genome Aggregation Database (gnomAD). The available evidence is insufficient to determine the role of this variant in disease conclusively. Therefore, this variant is classified as a Variant of Uncertain Significance.

This study involves interpretation of variants in research participants for the purpose of population health screening. Participant phenotype was not available at the time of variant classification. Additional details can be found in publication PMID: 35346344, PMCID: PMC8962531

Ambry Genetics
Classification: Uncertain significance for Hereditary cancer-predisposing syndrome. Last evaluated: 2024-08-29. Review status: criteria provided, single submitter. Criteria: Ambry Variant Classification Scheme 2023. Collection method: clinical testing. Allele origin: germline.
Comment: The p.Y196F variant (also known as c.587A>T), located in coding exon 7 of the BRCA1 gene, results from an A to T substitution at nucleotide position 587. The tyrosine at codon 196 is replaced by phenylalanine, an amino acid with highly similar properties. This amino acid position is not well conserved in available vertebrate species. In addition, the in silico prediction for this alteration is inconclusive. Based on the available evidence, the clinical significance of this variant remains unclear.

Women's Health and Genetics/Laboratory Corporation of America, LabCorp
Classification: Uncertain significance. Last evaluated: 2018-04-06. Review status: criteria provided, single submitter. Criteria: LabCorp Variant Classification Summary - May 2015. Collection method: clinical testing. Allele origin: germline.
Comment: Variant summary: BRCA1 c.587A>T (p.Tyr196Phe) results in a conservative amino acid change in the encoded protein sequence. Four of five in-silico tools predict a benign effect of the variant on protein function. The variant was absent in 121172 control chromosomes. The available data on variant occurrences in the general population are insufficient to allow any conclusion about variant significance. To our knowledge, no occurrence of c.587A>T in individuals affected with Hereditary Breast and Ovarian Cancer and no experimental evidence demonstrating its impact on protein function have been reported. Two clinical diagnostic laboratories have submitted clinical-significance assessments for this variant to ClinVar after 2014 without evidence for independent evaluation. All laboratories classified the variant as uncertain significance. Based on the evidence outlined above, the variant was classified as uncertain significance.